The following is an entry in ClinVar:

ClinVar aggregate classification (germline): Uncertain significance (1 of 4 stars; one submission).

Conditions:
Atrial fibrillation, familial, 7 (ATFB7). Identifiers: MedGen C2677106, MONDO:0012828, OMIM 612240.

Submission:

Labcorp Genetics (formerly Invitae), Labcorp
Classification: Uncertain significance for Atrial fibrillation, familial, 7. Last evaluated: 2025-10-27. Review status: criteria provided, single submitter. Criteria: Invitae Variant Classification Sherloc (09022015). Collection method: clinical testing. Allele origin: germline.
Comment: This sequence change replaces proline, which is neutral and non-polar, with serine, which is neutral and polar, at codon 314 of the KCNA5 protein (p.Pro314Ser). This variant is not present in population databases (gnomAD no frequency). This variant has not been reported in the literature in individuals affected with KCNA5-related conditions. An algorithm developed to predict the effect of missense changes on protein structure and function (PolyPhen-2) suggests that this variant is likely to be tolerated. In summary, the available evidence is currently insufficient to determine the role of this variant in disease. Therefore, it has been classified as a Variant of Uncertain Significance.

NM_002234.4(KCNA5):c.940C>T (p.Pro314Ser)

Gene: KCNA5 (potassium voltage-gated channel subfamily A member 5; plus strand). Cytogenetic location: 12p13.32.
Variant type: single nucleotide variant.
Coding change: c.940C>T on transcript NM_002234.4 (MANE Select); coding-DNA position 940, C replaced by T.
Protein change: p.Pro314Ser; replaces proline 314 with serine.
Molecular consequence: missense variant.
Genome position (GRCh38, 1-based): chr12:5,045,087, C>T. VCF-style: chr12-5045087-C-T. GRCh37 (hg19) VCF-style: chr12-5154253-C-T.
Other names: short protein forms P314S.
Identifiers: ClinVar variation 4697193 (VCV004697193.1).
Genomic context (GRCh38, chr12:5,045,087, plus strand): 5'-CCCGCCCCTGGGGCCAACGGCAGCGGGGTCATGGCCCCGCCCTCTGGCCCTACGGTGGCA[C>T]CGCTCCTGCCCAGGACCCTGGCCGACCCCTTCTTCATCGTGGAGACCACGTGCGTCATCT-3'
Protein context (NP_002225.2, residues 304-324): MAPPSGPTVA[Pro314Ser]LLPRTLADPF